The following is an entry in ClinVar:

ClinVar aggregate classification (germline): Uncertain significance (1 of 4 stars; one submission).

Conditions:
PLXNA3-related disorder. Also called: PLXNA3-related condition.

Submission:

PreventionGenetics, part of Exact Sciences
Classification: Uncertain significance for PLXNA3-related condition. Last evaluated: 2025-06-20. Review status: criteria provided, single submitter. Criteria: ACMG Guidelines, 2015. Collection method: clinical testing. Allele origin: germline.
Comment: The PLXNA3 c.3685G>T variant is predicted to result in the amino acid substitution p.Gly1229Trp. To our knowledge, this variant has not been reported in the literature or in a large population database (gnomAD), indicating this variant is rare. At this time, the clinical significance of this variant is uncertain due to the absence of conclusive functional and genetic evidence.

NM_017514.5(PLXNA3):c.3685G>T (p.Gly1229Trp)

Gene: PLXNA3 (plexin A3; plus strand). Cytogenetic location: Xq28.
Variant type: single nucleotide variant.
Coding change: c.3685G>T on transcript NM_017514.5 (MANE Select); coding-DNA position 3685, G replaced by T.
Protein change: p.Gly1229Trp; replaces glycine 1229 with tryptophan.
Molecular consequence: missense variant.
Genome position (GRCh38, 1-based): chrX:154,467,866, G>T. VCF-style: chrX-154467866-G-T. GRCh37 (hg19) VCF-style: chrX-153696209-G-T.
Other names: short protein forms G1229W.
Identifiers: ClinVar variation 4997097 (VCV004997097.1).